The following is an entry in ClinVar:

ClinVar aggregate classification (germline): Uncertain significance. Review status: criteria provided, multiple submitters, no conflicts (2 of 4 stars). 2 submissions from 2 submitters: Uncertain significance (2). Last evaluated 2025-02-14.

Conditions:
Hereditary cancer-predisposing syndrome. Also called: Tumor predisposition; Neoplastic Syndromes, Hereditary; Hereditary Cancer Syndrome; Hereditary neoplastic syndrome. Identifiers: Orphanet 140162, MedGen C0027672, MeSH D009386, MONDO:0015356.
Tumor predisposition syndrome 3 (TPDS3). Also called: Melanoma, cutaneous malignant, susceptibility to, 10; Glioma susceptibility 9; LONG TELOMERE SYNDROME, POT1-RELATED; POT1 Tumor Predisposition. Identifiers: Orphanet 618, MedGen C4014476, MONDO:0014368, OMIM 615848.

Submissions (2):

Ambry Genetics
Classification: Uncertain significance for Hereditary cancer-predisposing syndrome. Last evaluated: 2025-02-14. Review status: criteria provided, single submitter. Criteria: Ambry Variant Classification Scheme 2023. Collection method: clinical testing. Allele origin: germline.
Comment: The p.F106C variant (also known as c.317T>G), located in coding exon 4 of the POT1 gene, results from a T to G substitution at nucleotide position 317. The phenylalanine at codon 106 is replaced by cysteine, an amino acid with highly dissimilar properties. This amino acid position is conserved. In addition, this alteration is predicted to be deleterious by in silico analysis. Based on the available evidence, the clinical significance of this variant remains unclear.

Labcorp Genetics (formerly Invitae), Labcorp
Classification: Uncertain significance for Tumor predisposition syndrome 3. Last evaluated: 2024-12-11. Review status: criteria provided, single submitter. Criteria: Invitae Variant Classification Sherloc (09022015). Collection method: clinical testing. Allele origin: germline.
Comment: This sequence change replaces phenylalanine, which is neutral and non-polar, with cysteine, which is neutral and slightly polar, at codon 106 of the POT1 protein (p.Phe106Cys). This variant is not present in population databases (gnomAD no frequency). This variant has not been reported in the literature in individuals affected with POT1-related conditions. ClinVar contains an entry for this variant (Variation ID: 1384069). Invitae Evidence Modeling of protein sequence and biophysical properties (such as structural, functional, and spatial information, amino acid conservation, physicochemical variation, residue mobility, and thermodynamic stability) indicates that this missense variant is not expected to disrupt POT1 protein function with a negative predictive value of 80%. In summary, the available evidence is currently insufficient to determine the role of this variant in disease. Therefore, it has been classified as a Variant of Uncertain Significance.

NM_015450.3(POT1):c.317T>G (p.Phe106Cys)

Gene: POT1 (protection of telomeres 1; minus strand). Cytogenetic location: 7q31.33.
Variant type: single nucleotide variant.
Coding change: c.317T>G on transcript NM_015450.3 (MANE Select); coding-DNA position 317, T replaced by G.
Protein change: p.Phe106Cys; replaces phenylalanine 106 with cysteine.
Molecular consequence: missense variant. On other transcripts: 5 prime UTR variant (1), non-coding transcript variant (3).
Genome position (GRCh38, 1-based): chr7:124,863,579, A>C on the plus strand (T>G on the coding strand, the complement: POT1 is on the minus strand). VCF-style: chr7-124863579-A-C. GRCh37 (hg19) VCF-style: chr7-124503633-A-C.
Other names: c.-77T>G (NM_001042594.2); c.317T>G (NM_015450.2); short protein forms F106C.
Identifiers: ClinVar variation 1384069 (VCV001384069.6), dbSNP rs2116542450, ClinGen allele CA369060183.